The following is an entry in ClinVar:

NM_032888.4(COL27A1):c.457G>A (p.Asp153Asn)

Gene: COL27A1 (collagen type XXVII alpha 1 chain; plus strand). Cytogenetic location: 9q32.
Variant type: single nucleotide variant.
Coding change: c.457G>A on transcript NM_032888.4 (MANE Select); coding-DNA position 457, G replaced by A.
Protein change: p.Asp153Asn; replaces aspartic acid 153 with asparagine.
Molecular consequence: missense variant.
Genome position (GRCh38, 1-based): chr9:114,168,012, G>A. VCF-style: chr9-114168012-G-A. GRCh37 (hg19) VCF-style: chr9-116930292-G-A.
Other names: short protein forms D153N.
Identifiers: ClinVar variation 2172585 (VCV002172585.1), dbSNP rs750538488, ClinGen allele CA5201158.

ClinVar aggregate classification (germline): Uncertain significance (1 of 4 stars; one submission).

Allele frequency attached by ClinVar (database versions not stated): gnomAD 0.00001; ExAC 0.00002; TOPMed 0.00002.

Submission:

Labcorp Genetics (formerly Invitae), Labcorp
Classification: Uncertain significance. Last evaluated: 2021-09-24. Review status: criteria provided, single submitter. Criteria: Invitae Variant Classification Sherloc (09022015). Collection method: clinical testing. Allele origin: germline.
Comment: This sequence change replaces aspartic acid with asparagine at codon 153 of the COL27A1 protein (p.Asp153Asn). The aspartic acid residue is highly conserved and there is a small physicochemical difference between aspartic acid and asparagine. This variant is present in population databases (rs750538488, ExAC 0.003%). This variant has not been reported in the literature in individuals affected with COL27A1-related conditions. Advanced modeling of protein sequence and biophysical properties (such as structural, functional, and spatial information, amino acid conservation, physicochemical variation, residue mobility, and thermodynamic stability) performed at Invitae indicates that this missense variant is not expected to disrupt COL27A1 protein function. In summary, the available evidence is currently insufficient to determine the role of this variant in disease. Therefore, it has been classified as a Variant of Uncertain Significance.